The following is an entry in ClinVar:

NM_005535.3(IL12RB1):c.1100A>G (p.Tyr367Cys)

Gene: IL12RB1 (interleukin 12 receptor subunit beta 1; minus strand). Cytogenetic location: 19p13.11.
Variant type: single nucleotide variant.
Coding change: c.1100A>G on transcript NM_005535.3 (MANE Select); coding-DNA position 1100, A replaced by G.
Protein change: p.Tyr367Cys; replaces tyrosine 367 with cysteine.
Molecular consequence: missense variant.
Genome position (GRCh38, 1-based): chr19:18,069,635, T>C on the plus strand (A>G on the coding strand, the complement: IL12RB1 is on the minus strand). VCF-style: chr19-18069635-T-C. GRCh37 (hg19) VCF-style: chr19-18180445-T-C.
Other names: c.1100A>G, p.Tyr367Cys (NM_001290023.2); c.1220A>G, p.Tyr407Cys (NM_001290024.2); short protein forms Y367C, Y407C.
Identifiers: ClinVar variation 1034745 (VCV001034745.7), dbSNP rs1408160083, ClinGen allele CA404778809.

ClinVar aggregate classification (germline): Uncertain significance (1 of 4 stars; one submission).

Conditions:
Mendelian susceptibility to mycobacterial diseases due to complete IL12RB1 deficiency. Also called: IL12RB1 DEFICIENCY; Immunodeficiency 30. Identifiers: Orphanet 319552, MedGen C4013949, MONDO:0013955, OMIM 614891.

Allele frequency attached by ClinVar (database versions not stated): gnomAD 0.00001; TOPMed below 0.00001.
gnomAD v4.1: 15 of 1,613,364 alleles (0.00093%); highest among the groups gnomAD compares: Non-Finnish European, 0.0013%; no homozygotes.

Submission:

Labcorp Genetics (formerly Invitae), Labcorp
Classification: Uncertain significance for Mendelian susceptibility to mycobacterial diseases due to complete IL12RB1 deficiency. Last evaluated: 2020-04-27. Review status: criteria provided, single submitter. Criteria: Invitae Variant Classification Sherloc (09022015). Collection method: clinical testing. Allele origin: germline.
Comment: This sequence change replaces tyrosine with cysteine at codon 367 of the IL12RB1 protein (p.Tyr367Cys). The tyrosine residue is highly conserved and there is a large physicochemical difference between tyrosine and cysteine. This variant is not present in population databases (ExAC no frequency). This variant has been observed in individual(s) with clinical features of mendelian susceptibility to mycobacterial disease (PMID: 12591909). This variant has been reported to affect IL12RB1 protein function (PMID: 16293671). In summary, the available evidence is currently insufficient to determine the role of this variant in disease. Therefore, it has been classified as a Variant of Uncertain Significance.

Literature cited by the submitters: PubMed 12591909; PubMed 16293671.